The following is an entry in ClinVar:

ClinVar aggregate classification (germline): Pathogenic (1 of 4 stars; one submission).

Conditions:
Holocarboxylase synthetase deficiency. Also called: MULTIPLE CARBOXYLASE DEFICIENCY, EARLY ONSET. Identifiers: Orphanet 79242, MedGen C0268581, MONDO:0009666, OMIM 253270.

Submission:

Labcorp Genetics (formerly Invitae), Labcorp
Classification: Pathogenic for Holocarboxylase synthetase deficiency. Last evaluated: 2022-04-11. Review status: criteria provided, single submitter. Criteria: Invitae Variant Classification Sherloc (09022015). Collection method: clinical testing. Allele origin: germline.
Comment: This sequence change creates a premature translational stop signal (p.Gly591Argfs*12) in the HLCS gene. It is expected to result in an absent or disrupted protein product. Loss-of-function variants in HLCS are known to be pathogenic (PMID: 16134170). This variant is not present in population databases (gnomAD no frequency). This variant has not been reported in the literature in individuals affected with HLCS-related conditions. For these reasons, this variant has been classified as Pathogenic.

Literature cited by the submitters: PubMed 16134170.

NM_001352514.2(HLCS):c.2212_2213del (p.Gly738fs)

Gene: HLCS (holocarboxylase synthetase; minus strand). Cytogenetic location: 21q22.13.
Variant type: Deletion.
Coding change: c.2212_2213del on transcript NM_001352514.2 (MANE Select); coding-DNA positions 2212 to 2213, 2 bases deleted (GG; older notation c.2212_2213delGG).
Protein change: p.Gly738fs; shifts the reading frame from glycine 738.
Molecular consequence: frameshift variant. On other transcripts: non-coding transcript variant (2).
Genome position (GRCh38, 1-based): chr21:36,759,750-36,759,751, CC deleted on the plus strand (GG on the coding strand, the reverse complement: HLCS is on the minus strand); deleting any 2 consecutive bases within chr21:36,759,750-36,759,752 gives the same sequence; the c. name uses the placement nearest the transcript's 3' end. VCF-style (leftmost placement, unchanged base first): chr21-36759749-TCC-T. GRCh37 (hg19) VCF-style: chr21-38132050-TCC-T.
Other names: c.1771_1772del, p.Gly591fs (NM_000411.8, NM_001242784.3, NM_001242785.2 and 4 more transcripts); short protein forms G738fs, G591fs.
Identifiers: ClinVar variation 2124510 (VCV002124510.4), dbSNP rs2516853102, ClinGen allele CA2580098671.